The following is an entry in ClinVar:

NM_001283.5(AP1S1):c.60C>G (p.Tyr20Ter)

Genes: AP1S1 (adaptor related protein complex 1 subunit sigma 1; plus strand), LOC126860125 (BRD4-independent group 4 enhancer GRCh37_chr7:100799642-100800841; plus strand). Cytogenetic location: 7q22.1.
Variant type: single nucleotide variant.
Coding change: c.60C>G on transcript NM_001283.5 (MANE Select); coding-DNA position 60, C replaced by G.
Protein change: p.Tyr20Ter; replaces tyrosine 20 with a stop codon.
Molecular consequence: nonsense.
Genome position (GRCh38, 1-based): chr7:101,156,650, C>G. VCF-style: chr7-101156650-C-G. GRCh37 (hg19) VCF-style: chr7-100799931-C-G.
Other names: short protein forms Y20*.
Identifiers: ClinVar variation 2969619 (VCV002969619.3), dbSNP rs370460433, ClinGen allele CA4405918.

ClinVar aggregate classification (germline): Pathogenic (1 of 4 stars; one submission).

Allele frequency attached by ClinVar (database versions not stated): ExAC 0.00001; TOPMed 0.00001; ESP Exome Variant Server 0.00008.
gnomAD v4.1: 1 of 1,612,140 alleles (0.000062%); no homozygotes.

Submission:

Labcorp Genetics (formerly Invitae), Labcorp
Classification: Pathogenic. Last evaluated: 2023-07-16. Review status: criteria provided, single submitter. Criteria: Invitae Variant Classification Sherloc (09022015). Collection method: clinical testing. Allele origin: germline.
Comment: This sequence change creates a premature translational stop signal (p.Tyr20*) in the AP1S1 gene. It is expected to result in an absent or disrupted protein product. Loss-of-function variants in AP1S1 are known to be pathogenic (PMID: 19057675, 23423674). This variant is present in population databases (rs370460433, gnomAD 0.007%). This variant has not been reported in the literature in individuals affected with AP1S1-related conditions. For these reasons, this variant has been classified as Pathogenic.

Literature cited by the submitters: PubMed 19057675; PubMed 23423674.